The following is an entry in ClinVar:

ClinVar aggregate classification (germline): Uncertain significance. Review status: criteria provided, multiple submitters, no conflicts (2 of 4 stars). 2 submissions from 2 submitters: Uncertain significance (2). Last evaluated 2024-06-12.

Conditions:
Hereditary cancer-predisposing syndrome. Also called: Neoplastic Syndromes, Hereditary; Hereditary Cancer Syndrome; Hereditary neoplastic syndrome; Tumor predisposition. Identifiers: Orphanet 140162, MedGen C0027672, MeSH D009386, MONDO:0015356.
Hereditary breast ovarian cancer syndrome. Also called: BRCA1- and BRCA2-Associated Hereditary Breast and Ovarian Cancer; Hereditary breast and ovarian cancer syndrome (HBOC); Hereditary breast and ovarian cancer syndrome; Breast and ovarian cancer; Hereditary breast and/or ovarian cancer syndrome; Hereditary breast and ovarian cancer. Identifiers: Orphanet 145, MedGen C0677776, MeSH D061325, MONDO:0003582. Disease mechanism: loss of function.

Submissions (2):

Labcorp Genetics (formerly Invitae), Labcorp
Classification: Uncertain significance for Hereditary breast ovarian cancer syndrome. Last evaluated: 2024-06-12. Review status: criteria provided, single submitter. Criteria: Invitae Variant Classification Sherloc (09022015). Collection method: clinical testing. Allele origin: germline.
Comment: This sequence change replaces glutamic acid, which is acidic and polar, with glutamine, which is neutral and polar, at codon 2924 of the BRCA2 protein (p.Glu2924Gln). This variant is not present in population databases (gnomAD no frequency). This variant has not been reported in the literature in individuals affected with BRCA2-related conditions. ClinVar contains an entry for this variant (Variation ID: 2565963). Advanced modeling of protein sequence and biophysical properties (such as structural, functional, and spatial information, amino acid conservation, physicochemical variation, residue mobility, and thermodynamic stability) performed at Invitae indicates that this missense variant is not expected to disrupt BRCA2 protein function with a negative predictive value of 95%. In summary, the available evidence is currently insufficient to determine the role of this variant in disease. Therefore, it has been classified as a Variant of Uncertain Significance.

Ambry Genetics
Classification: Uncertain significance for Hereditary cancer-predisposing syndrome. Last evaluated: 2023-03-19. Review status: criteria provided, single submitter. Criteria: Ambry Variant Classification Scheme 2023. Collection method: clinical testing. Allele origin: germline.
Comment: The p.E2924Q variant (also known as c.8770G>C), located in coding exon 21 of the BRCA2 gene, results from a G to C substitution at nucleotide position 8770. The glutamic acid at codon 2924 is replaced by glutamine, an amino acid with highly similar properties. This amino acid position is conserved. In addition, the in silico prediction for this alteration is inconclusive. Since supporting evidence is limited at this time, the clinical significance of this alteration remains unclear.

NM_000059.4(BRCA2):c.8770G>C (p.Glu2924Gln)

Gene: BRCA2 (BRCA2 DNA repair associated; plus strand). Cytogenetic location: 13q13.1.
Variant type: single nucleotide variant.
Coding change: c.8770G>C on transcript NM_000059.4 (MANE Select); coding-DNA position 8770, G replaced by C.
Protein change: p.Glu2924Gln; replaces glutamic acid 2924 with glutamine.
Molecular consequence: missense variant. On other transcripts: non-coding transcript variant (1).
Genome position (GRCh38, 1-based): chr13:32,379,332, G>C. VCF-style: chr13-32379332-G-C. GRCh37 (hg19) VCF-style: chr13-32953469-G-C.
Other names: c.8674G>C, p.Glu2892Gln (NM_001406719.1); c.8770G>C, p.Glu2924Gln (NM_001406720.1); c.3838G>C, p.Glu1280Gln (NM_001406721.1); c.2353G>C, p.Glu785Gln (NM_001406722.1); short protein forms E2892Q, E1280Q, E2924Q, E785Q.
Identifiers: ClinVar variation 2565963 (VCV002565963.4), dbSNP rs80359133, ClinGen allele CA387755797.